The following is an entry in ClinVar:

NM_006070.6(TFG):c.353G>A (p.Arg118His)

Gene: TFG (trafficking from ER to golgi regulator; plus strand). Cytogenetic location: 3q12.2.
Variant type: single nucleotide variant.
Coding change: c.353G>A on transcript NM_006070.6 (MANE Select); coding-DNA position 353, G replaced by A.
Protein change: p.Arg118His; replaces arginine 118 with histidine.
Molecular consequence: missense variant.
Genome position (GRCh38, 1-based): chr3:100,728,796, G>A. VCF-style: chr3-100728796-G-A. GRCh37 (hg19) VCF-style: chr3-100447640-G-A.
Other names: c.353G>A, p.Arg118His (NM_001007565.2, NM_001195478.2, NM_001195479.2); short protein forms R118H.
Identifiers: ClinVar variation 1011451 (VCV001011451.8), dbSNP rs376804190, ClinGen allele CA2517056.

ClinVar aggregate classification (germline): Uncertain significance (1 of 4 stars; one submission).

Conditions:
Hereditary motor and sensory neuropathy, Okinawa type (HMSNO). Also called: HEREDITARY MOTOR AND SENSORY NEUROPATHY, PROXIMAL TYPE. Identifiers: Orphanet 90117, MedGen C1858338, MONDO:0011468, OMIM 604484.
Hereditary spastic paraplegia 57. Also called: Spastic paraplegia 57, autosomal recessive. Identifiers: Orphanet 431329, MedGen C3714897, MONDO:0014295, OMIM 615658.

Allele frequency attached by ClinVar (database versions not stated): gnomAD exomes below 0.00001; TOPMed 0.00001; ESP Exome Variant Server 0.00008; ExAC 0.00002.
gnomAD v4.1: 6 of 1,612,444 alleles (0.00037%); highest among the groups gnomAD compares: African/African-American, 0.0013%; no homozygotes.

Submission:

Labcorp Genetics (formerly Invitae), Labcorp
Classification: Uncertain significance for Hereditary motor and sensory neuropathy, Okinawa type; Hereditary spastic paraplegia 57. Last evaluated: 2025-09-02. Review status: criteria provided, single submitter. Criteria: Invitae Variant Classification Sherloc (09022015). Collection method: clinical testing. Allele origin: germline.
Comment: This sequence change replaces arginine, which is basic and polar, with histidine, which is basic and polar, at codon 118 of the TFG protein (p.Arg118His). This variant is present in population databases (rs376804190, gnomAD 0.004%). This variant has not been reported in the literature in individuals affected with TFG-related conditions. ClinVar contains an entry for this variant (Variation ID: 1011451). Invitae Evidence Modeling of protein sequence and biophysical properties (such as structural, functional, and spatial information, amino acid conservation, physicochemical variation, residue mobility, and thermodynamic stability) indicates that this missense variant is not expected to disrupt TFG protein function with a negative predictive value of 80%. In summary, the available evidence is currently insufficient to determine the role of this variant in disease. Therefore, it has been classified as a Variant of Uncertain Significance.